The following is an entry in ClinVar:

NM_016373.4(WWOX):c.35C>T (p.Thr12Met)

Gene: WWOX (WW domain containing oxidoreductase; plus strand). Cytogenetic location: 16q23.1.
Variant type: single nucleotide variant.
Coding change: c.35C>T on transcript NM_016373.4 (MANE Select); coding-DNA position 35, C replaced by T.
Protein change: p.Thr12Met; replaces threonine 12 with methionine.
Molecular consequence: missense variant. On other transcripts: 5 prime UTR variant (1), non-coding transcript variant (2).
Genome position (GRCh38, 1-based): chr16:78,099,813, C>T. VCF-style: chr16-78099813-C-T. GRCh37 (hg19) VCF-style: chr16-78133710-C-T.
Other names: c.-240C>T (NM_001291997.2); c.35C>T, p.Thr12Met (NM_130791.5); short protein forms T12M.
Identifiers: ClinVar variation 3336604 (VCV003336604.2).

ClinVar aggregate classification (germline): Likely pathogenic (1 of 4 stars; one submission).

Conditions:
Developmental and epileptic encephalopathy, 28 (DEE28). Also called: Epileptic encephalopathy, early infantile, 28. Identifiers: Orphanet 442835, MedGen C4015519, MONDO:0014533, OMIM 616211.

gnomAD v4.1: 1 of 1,576,892 alleles (0.000063%); highest among the groups gnomAD compares: Non-Finnish European, 0.000086%; no homozygotes.

Submission:

Laboratory of Molecular Instruments for Neurobiology, Shemyakin-Ovchinnikov Institute of Bioorganic Chemistry of the Russian Academy of Sciences
Classification: Likely pathogenic for Developmental and epileptic encephalopathy, 28. Last evaluated: 2024-08-06. Review status: criteria provided, single submitter. Criteria: ACMG Guidelines, 2015. Collection method: clinical testing. Allele origin: unknown. Inheritance: Autosomal recessive inheritance. Affected: yes. Observed: 1 homozygote.
Comment: This variant has not been described in such international databases of human mutations as HGMD and ClinVar, however, there is a description of another amino acid substitution in the same position - p.(Thr12Arg), presented in the ClinVar database as a variant of unknown significance and as a pathogenic variant. The identified nucleotide sequence variant is not registered in the gnomAD control samples (The Genome Aggregation Database, v.2.1.1). The variant is a moderately conservative position (PhastCons100way 1.000, PhyloP100way 6.959), predominantly predicted by computer algorithms as possibly pathogenic (PrimateAI, SIFT, EIGEN - Pathogenic Supporting, MVP - Pathogenic Moderate, MutPred - Benign Moderate, FATHMM, PROVEAN - Uncertain). Given the full compliance with the clinical phenotype and according to the ACMG criteria, this variant of the nucleotide sequence is likely pathogenic (PM2, PM5, PP3, PP4).